The following is an entry in ClinVar:

ClinVar aggregate classification (germline): Conflicting classifications of pathogenicity. Review status: criteria provided, conflicting classifications (1 of 4 stars). 2 submissions from 2 submitters: Pathogenic (1); Uncertain significance (1). Last evaluated 2024-04-10.

Conditions:
RAD51D-related cancer predisposition. Identifiers: MedGen CN377763, MONDO:0700274.
Breast-ovarian cancer, familial, susceptibility to, 4. Identifiers: Orphanet 145, MedGen C3280345, MONDO:0013669, OMIM 614291.

Submissions (2):

Labcorp Genetics (formerly Invitae), Labcorp
Classification: Uncertain significance for Breast-ovarian cancer, familial, susceptibility to, 4. Last evaluated: 2024-04-10. Review status: criteria provided, single submitter. Criteria: Invitae Variant Classification Sherloc (09022015). Collection method: clinical testing. Allele origin: germline.
Comment: This sequence change affects a donor splice site in intron 9 of the RAD51D gene. While this variant is not anticipated to result in nonsense mediated decay, it likely alters RNA splicing and results in a disrupted protein product. This variant is not present in population databases (gnomAD no frequency). This variant has not been reported in the literature in individuals affected with RAD51D-related conditions. ClinVar contains an entry for this variant (Variation ID: 1347094). Variants that disrupt the consensus splice site are a relatively common cause of aberrant splicing (PMID: 17576681, 9536098). Algorithms developed to predict the effect of sequence changes on RNA splicing suggest that this variant may disrupt the consensus splice site. In summary, the available evidence is currently insufficient to determine the role of this variant in disease. Therefore, it has been classified as a Variant of Uncertain Significance.

Department of Pathology and Laboratory Medicine, Sinai Health System
Classification: Pathogenic for RAD51D-related cancer predisposition. Last evaluated: 2023-03-10. Review status: criteria provided, single submitter. Criteria: ACMG Guidelines, 2015. Collection method: clinical testing. Allele origin: germline. Affected: yes.

Literature cited by the submitters: PubMed 17576681 (cited by Labcorp Genetics (formerly Invitae), Labcorp); PubMed 9536098 (cited by Labcorp Genetics (formerly Invitae), Labcorp).

NM_002878.4(RAD51D):c.903+1G>A

Genes: RAD51D (RAD51 paralog D; minus strand), RAD51L3-RFFL (RAD51L3-RFFL readthrough; minus strand). Cytogenetic location: 17q12.
Variant type: single nucleotide variant.
Coding change: c.903+1G>A on transcript NM_002878.4 (MANE Select); the canonical splice donor site of the intron after coding-DNA position 903, G replaced by A.
Molecular consequence: splice donor variant.
Genome position (GRCh38, 1-based): chr17:35,101,200, C>T on the plus strand (G>A on the coding strand, the complement: RAD51D is on the minus strand). VCF-style: chr17-35101200-C-T. GRCh37 (hg19) VCF-style: chr17-33428219-C-T.
Other names: c.903+1G>A (NM_002878.3); c.567+1G>A (NM_133629.3); c.963+1G>A (NM_001142571.2).
Identifiers: ClinVar variation 1347094 (VCV001347094.7), dbSNP rs2142410813, ClinGen allele CA399086222.